The following is an entry in ClinVar:

ClinVar aggregate classification (germline): Uncertain significance. Review status: criteria provided, multiple submitters, no conflicts (2 of 4 stars). 2 submissions from 2 submitters: Uncertain significance (2). Last evaluated 2024-09-27.

Conditions:
Amyotrophic lateral sclerosis type 1 (ALS1). Also called: AMYOTROPHIC LATERAL SCLEROSIS 1, FAMILIAL. Identifiers: Orphanet 803, MedGen C1862939, MONDO:0007103, OMIM 105400.
Perry syndrome. Also called: PARKINSONISM WITH ALVEOLAR HYPOVENTILATION AND MENTAL DEPRESSION. Identifiers: Orphanet 178509, MedGen C1868594, MONDO:0008201, OMIM 168605.
Neuronopathy, distal hereditary motor, type 7B. Also called: NEURONOPATHY, DISTAL HEREDITARY MOTOR, AUTOSOMAL DOMINANT 14; NEURONOPATHY, DISTAL HEREDITARY MOTOR, HARDING TYPE VIIB; NEUROPATHY, DISTAL HEREDITARY MOTOR, HARDING TYPE VIIB; NEUROPATHY, DISTAL HEREDITARY MOTOR, WITH VOCAL CORD PARALYSIS, HARDING TYPE VIIB; LOWER MOTOR NEURON DISEASE, DYNACTIN TYPE; Distal Hereditary Motor Neuronopathy Type 7B (dHMN7B). Identifiers: Orphanet 139589, MedGen C1843315, MONDO:0011879, OMIM 607641.

Allele frequency attached by ClinVar (database versions not stated): gnomAD exomes below 0.00001; TOPMed below 0.00001; gnomAD 0.00001.
gnomAD v4.1: 2 of 1,614,086 alleles (0.00012%); highest among the groups gnomAD compares: Non-Finnish European, 0.00017%; no homozygotes.

Submissions (2):

GeneDx
Classification: Uncertain significance. Last evaluated: 2024-09-27. Review status: criteria provided, single submitter. Criteria: GeneDx Variant Classification Process June 2021. Collection method: clinical testing. Allele origin: germline.
Comment: Not observed at significant frequency in large population cohorts (gnomAD); In silico analysis supports that this missense variant has a deleterious effect on protein structure/function; Has not been previously published as pathogenic or benign to our knowledge

Labcorp Genetics (formerly Invitae), Labcorp
Classification: Uncertain significance for Amyotrophic lateral sclerosis type 1; Neuronopathy, distal hereditary motor, type 7B; Perry syndrome. Last evaluated: 2023-07-07. Review status: criteria provided, single submitter. Criteria: Invitae Variant Classification Sherloc (09022015). Collection method: clinical testing. Allele origin: germline.
Comment: This sequence change replaces arginine, which is basic and polar, with histidine, which is basic and polar, at codon 90 of the DCTN1 protein (p.Arg90His). In summary, the available evidence is currently insufficient to determine the role of this variant in disease. Therefore, it has been classified as a Variant of Uncertain Significance. Advanced modeling of protein sequence and biophysical properties (such as structural, functional, and spatial information, amino acid conservation, physicochemical variation, residue mobility, and thermodynamic stability) performed at Invitae indicates that this missense variant is expected to disrupt DCTN1 protein function. ClinVar contains an entry for this variant (Variation ID: 2050317). This variant has not been reported in the literature in individuals affected with DCTN1-related conditions. This variant is present in population databases (no rsID available, gnomAD 0.0009%).

NM_004082.5(DCTN1):c.269G>A (p.Arg90His)

Gene: DCTN1 (dynactin subunit 1; minus strand). Cytogenetic location: 2p13.1.
Variant type: single nucleotide variant.
Coding change: c.269G>A on transcript NM_004082.5 (MANE Select); coding-DNA position 269, G replaced by A.
Protein change: p.Arg90His; replaces arginine 90 with histidine.
Molecular consequence: missense variant. On other transcripts: non-coding transcript variant (1).
Genome position (GRCh38, 1-based): chr2:74,378,010, C>T on the plus strand (G>A on the coding strand, the complement: DCTN1 is on the minus strand). VCF-style: chr2-74378010-C-T. GRCh37 (hg19) VCF-style: chr2-74605137-C-T.
Other names: c.269G>A, p.Arg90His (NM_001135040.3, NM_001190837.2); c.218G>A, p.Arg73His (NM_001190836.2, NM_001378991.1, NM_001378992.1); short protein forms R90H, R73H.
Identifiers: ClinVar variation 2050317 (VCV002050317.4), dbSNP rs1291603058, ClinGen allele CA347321539.